The following is an entry in ClinVar:

ClinVar aggregate classification (germline): Conflicting classifications of pathogenicity. Review status: criteria provided, conflicting classifications (1 of 4 stars). 12 submissions from 12 submitters: Uncertain significance (1); Benign (2); Likely benign (8). 1 of the submissions does not count toward it. Last evaluated 2026-05-01.

Conditions:
Tuberous sclerosis 2 (TSC2). Identifiers: Orphanet 805, MedGen C1860707, MONDO:0013199, OMIM 613254.
Lymphangiomyomatosis (LAM). Also called: Lymphangioleiomyomatosis; Lymphangioleiomyomatosis, somatic. Identifiers: Orphanet 538, MedGen C0751674, MONDO:0011705, OMIM 606690.
Isolated focal cortical dysplasia type II (FCORD2). Also called: Focal cortical dysplasia type II; CORTICAL DYSPLASIA OF TAYLOR. Identifiers: Orphanet 268994, MedGen C1846385, MONDO:0011818, OMIM 607341, HP:0032051.
TSC2-related disorder. Also called: TSC2-related condition; TSC2-Related Disorders.
Hereditary cancer-predisposing syndrome. Also called: Hereditary neoplastic syndrome; Tumor predisposition; Neoplastic Syndromes, Hereditary; Hereditary Cancer Syndrome. Identifiers: Orphanet 140162, MedGen C0027672, MeSH D009386, MONDO:0015356.
Tuberous sclerosis syndrome (TSC). Also called: Tuberous Sclerosis Complex; Tuberous sclerosis. Identifiers: Orphanet 805, MedGen C0041341, MONDO:0001734.

Allele frequency attached by ClinVar (database versions not stated): ExAC 0.00001; gnomAD exomes 0.00001 and 0.00002; TOPMed 0.00002.
gnomAD v4.1: 18 of 1,612,942 alleles (0.0011%); highest among the groups gnomAD compares: Admixed American, 0.0033%; no homozygotes.

Submissions (12):

CeGaT Center for Human Genetics Tuebingen
Classification: Likely benign. Last evaluated: 2026-05-01. Review status: criteria provided, single submitter. Criteria: CeGaT Center For Human Genetics Tuebingen Variant Classification Criteria Version 2. Collection method: clinical testing. Allele origin: germline. Affected: yes. Observed: 3 variant alleles.
Comment: TSC2: BP4, BP7

Labcorp Genetics (formerly Invitae), Labcorp
Classification: Benign for Tuberous sclerosis 2. Last evaluated: 2025-11-23. Review status: criteria provided, single submitter. Criteria: Invitae Variant Classification Sherloc (09022015). Collection method: clinical testing. Allele origin: germline.

Myriad Genetics, Inc.
Classification: Benign for Tuberous sclerosis 2. Last evaluated: 2025-05-29. Review status: criteria provided, single submitter. Criteria: Myriad Autosomal Dominant, Autosomal Recessive and X-Linked Classification Criteria (2023). Collection method: clinical testing. Allele origin: unknown.
Comment: This variant is considered benign. This variant is a silent/synonymous amino acid change and it is not expected to impact splicing.

Quest Diagnostics Nichols Institute San Juan Capistrano
Classification: Likely benign. Last evaluated: 2025-03-19. Review status: criteria provided, single submitter. Criteria: Quest Diagnostics criteria. Collection method: clinical testing. Allele origin: unknown.

Mayo Clinic Laboratories, Mayo Clinic
Classification: Likely benign. Last evaluated: 2025-01-23. Review status: criteria provided, single submitter. Criteria: ACMG Guidelines, 2015. Collection method: clinical testing. Allele origin: germline. Observed: 1 variant allele.
Comment: BP4, BP7

All of Us Research Program, National Institutes of Health
Classification: Likely benign for Tuberous sclerosis syndrome. Last evaluated: 2023-11-20. Review status: criteria provided, single submitter. Criteria: ACMG Guidelines, 2015. Collection method: clinical testing. Allele origin: germline. Inheritance: Autosomal dominant inheritance. Observed: 2 variant alleles, 2 heterozygotes.
Comment: This study involves interpretation of variants in research participants for the purpose of population health screening. Participant phenotype was not available at the time of variant classification. Additional details can be found in publication PMID: 35346344, PMCID: PMC8962531

Color Diagnostics, LLC DBA Color Health
Classification: Likely benign for Tuberous sclerosis syndrome. Last evaluated: 2022-10-02. Review status: criteria provided, single submitter. Criteria: ACMG Guidelines, 2015. Collection method: clinical testing. Allele origin: germline.

Genome-Nilou Lab
Classification: Likely benign for Tuberous sclerosis 2. Last evaluated: 2021-11-07. Review status: criteria provided, single submitter. Criteria: ACMG Guidelines, 2015. Collection method: clinical testing. Allele origin: germline. Affected: no.

Ambry Genetics
Classification: Likely benign for Hereditary cancer-predisposing syndrome. Last evaluated: 2021-01-05. Review status: criteria provided, single submitter. Criteria: Ambry Variant Classification Scheme 2023. Collection method: clinical testing. Allele origin: germline.

GeneDx
Classification: Likely benign. Last evaluated: 2020-07-27. Review status: criteria provided, single submitter. Criteria: GeneDx Variant Classification Process June 2021. Collection method: clinical testing. Allele origin: germline. Affected: yes.

Center for Genomics, Ann and Robert H. Lurie Children's Hospital of Chicago
Classification: Uncertain significance for Lymphangiomyomatosis; Isolated focal cortical dysplasia type II; Tuberous sclerosis 2. Review status: criteria provided, single submitter. Criteria: ACMG Guidelines, 2015. Collection method: clinical testing. Allele origin: germline.
Comment: TSC2 NM_000548 exon 30 p.Pro1145Pro (c.3435G>A): This variant has not been reported in the literature but is present in 2/111274 European alleles in the Genome Aggregation Database. This variant is present in ClinVar (Variation ID:468015). Evolutionary conservation and computational predictive tools for this variant are limited or unavailable. Of note, this variant is a silent variant and does not change the amino acid, reducing the probability that this variant is disease causing. In summary, data on this variant is insufficient for disease classification. Therefore, the clinical significance of this variant is uncertain

PreventionGenetics, part of Exact Sciences
Classification: Likely benign for TSC2-related condition. Last evaluated: 2021-11-17. Review status: no assertion criteria provided. Collection method: clinical testing. Allele origin: germline. Not counted in ClinVar's aggregate classification.
Comment: This variant is classified as likely benign based on ACMG/AMP sequence variant interpretation guidelines (Richards et al. 2015 PMID: 25741868, with internal and published modifications).

NM_000548.5(TSC2):c.3435G>A (p.Pro1145=)

Gene: TSC2 (TSC complex subunit 2; plus strand). Cytogenetic location: 16p13.3.
Variant type: single nucleotide variant.
Coding change: c.3435G>A on transcript NM_000548.5 (MANE Select); coding-DNA position 3435, G replaced by A.
Protein change: p.Pro1145=; no amino-acid change (proline 1145 retained).
Molecular consequence: synonymous variant.
Genome position (GRCh38, 1-based): chr16:2,080,202, G>A. VCF-style: chr16-2080202-G-A. GRCh37 (hg19) VCF-style: chr16-2130203-G-A.
Other names: p.Pro1145=; c.3303G>A, p.Pro1101= (NM_001077183.3, NM_001370404.1); c.3435G>A, p.Pro1145= (NM_001114382.3); c.3195G>A, p.Pro1065= (NM_001318827.2); c.3159G>A, p.Pro1053= (NM_001318829.2); c.2703G>A, p.Pro901= (NM_001318831.2); c.3336G>A, p.Pro1112= (NM_001318832.2); c.3306G>A, p.Pro1102= (NM_001363528.2, NM_001370405.1, NM_021055.3); and 1 more.
Identifiers: ClinVar variation 468015 (VCV000468015.50), dbSNP rs749633483, ClinGen allele CA046839.